The following is an entry in ClinVar:

ClinVar aggregate classification (germline): Uncertain significance (1 of 4 stars; one submission).

Submission:

Labcorp Genetics (formerly Invitae), Labcorp
Classification: Uncertain significance. Last evaluated: 2025-11-06. Review status: criteria provided, single submitter. Criteria: Invitae Variant Classification Sherloc (09022015). Collection method: clinical testing. Allele origin: germline.
Comment: This sequence change replaces aspartic acid, which is acidic and polar, with tyrosine, which is neutral and polar, at codon 583 of the CNGA3 protein (p.Asp583Tyr). This variant is present in population databases (rs768458537, gnomAD 0.003%). This variant has not been reported in the literature in individuals affected with CNGA3-related conditions. Invitae Evidence Modeling of protein sequence and biophysical properties (such as structural, functional, and spatial information, amino acid conservation, physicochemical variation, residue mobility, and thermodynamic stability) indicates that this missense variant is expected to disrupt CNGA3 protein function with a positive predictive value of 95%. In summary, the available evidence is currently insufficient to determine the role of this variant in disease. Therefore, it has been classified as a Variant of Uncertain Significance.

NM_001298.3(CNGA3):c.1747G>T (p.Asp583Tyr)

Gene: CNGA3 (cyclic nucleotide gated channel subunit alpha 3; plus strand). Cytogenetic location: 2q11.2.
Variant type: single nucleotide variant.
Coding change: c.1747G>T on transcript NM_001298.3 (MANE Select); coding-DNA position 1747, G replaced by T.
Protein change: p.Asp583Tyr; replaces aspartic acid 583 with tyrosine.
Molecular consequence: missense variant.
Genome position (GRCh38, 1-based): chr2:98,396,917, G>T. VCF-style: chr2-98396917-G-T. GRCh37 (hg19) VCF-style: chr2-99013380-G-T.
Other names: c.1693G>T, p.Asp565Tyr (NM_001079878.2); short protein forms D565Y, D583Y.
Identifiers: ClinVar variation 4781157 (VCV004781157.1).